The following is an entry in ClinVar:

ClinVar aggregate classification (germline): Uncertain significance (1 of 4 stars; one submission).

Conditions:
Koolen-de Vries syndrome (KDVS). Identifiers: Orphanet 96169, MedGen C1864871, MONDO:0012496, OMIM 610443.

Submission:

Labcorp Genetics (formerly Invitae), Labcorp
Classification: Uncertain significance for Koolen-de Vries syndrome. Last evaluated: 2023-03-08. Review status: criteria provided, single submitter. Criteria: Invitae Variant Classification Sherloc (09022015). Collection method: clinical testing. Allele origin: germline.
Comment: In summary, the available evidence is currently insufficient to determine the role of this variant in disease. Therefore, it has been classified as a Variant of Uncertain Significance. Variants that disrupt the consensus splice site are a relatively common cause of aberrant splicing (PMID: 17576681, 9536098). Algorithms developed to predict the effect of sequence changes on RNA splicing suggest that this variant may create or strengthen a splice site. This variant has not been reported in the literature in individuals affected with KANSL1-related conditions. This variant is not present in population databases (gnomAD no frequency). This sequence change falls in intron 6 of the KANSL1 gene. It does not directly change the encoded amino acid sequence of the KANSL1 protein. It affects a nucleotide within the consensus splice site.

Literature cited by the submitters: PubMed 17576681; PubMed 9536098.

NM_015443.4(KANSL1):c.1848+6T>C

Gene: KANSL1 (KAT8 regulatory NSL complex subunit 1). Cytogenetic location: 17q21.31.
Variant type: single nucleotide variant.
Coding change: c.1848+6T>C on transcript NM_015443.4 (MANE Select); 6 bases into the intron after coding-DNA position 1848, T replaced by C.
Molecular consequence: intron variant.
Genome position (GRCh38, 1-based): chr17:46,066,531, A>G on the plus strand (T>C on the coding strand, the complement: KANSL1 is on the minus strand). VCF-style: chr17-46066531-A-G. GRCh37 (hg19) VCF-style: chr17-44143897-A-G.
Other names: c.582+6T>C (NM_001405885.1, NM_001405884.1, NM_001405883.1 and 1 more transcripts); c.1746+6T>C (NM_001405881.1, NM_001405861.1, NM_001405859.1 and 1 more transcripts); c.1848+6T>C (NM_001405879.1, NM_001405875.1, NM_001193465.2 and 14 more transcripts).
Identifiers: ClinVar variation 2960609 (VCV002960609.3), dbSNP rs2510756695, ClinGen allele CA2740093768.
Genomic context (GRCh38, chr17:46,066,531, plus strand): 5'-AGAGACTAACTCTATCTGAGCATCTGGCTCACTGCTTGACAATGACCAACTCTCATCTGT[A>G]CCGACCTTCTTGGAAAGAGGAACGATGCTGTTGGGTCGAACAAGCCTCCGCTTCTTACAG-3'